The following is an entry in ClinVar:

NM_024426.6(WT1):c.1267G>A (p.Glu423Lys)

Gene: WT1 (WT1 transcription factor; minus strand). Cytogenetic location: 11p13.
Variant type: single nucleotide variant.
Coding change: c.1267G>A on transcript NM_024426.6 (MANE Select); coding-DNA position 1267, G replaced by A.
Protein change: p.Glu423Lys; replaces glutamic acid 423 with lysine.
Molecular consequence: missense variant. On other transcripts: non-coding transcript variant (2), intron variant (1).
Genome position (GRCh38, 1-based): chr11:32,392,753, C>T on the plus strand (G>A on the coding strand, the complement: WT1 is on the minus strand). VCF-style: chr11-32392753-C-T. GRCh37 (hg19) VCF-style: chr11-32414299-C-T.
Other names: c.1216G>A, p.Glu406Lys (NM_000378.6, NM_001407045.1, NM_001407049.1); c.616G>A, p.Glu206Lys (NM_001198551.2); c.565G>A, p.Glu189Lys (NM_001198552.2); c.79G>A, p.Glu27Lys (NM_001367854.1); c.1261G>A, p.Glu421Lys (NM_001407044.1); c.1267G>A, p.Glu423Lys (NM_001407046.1, NM_024424.5); c.1144G>A, p.Glu382Lys (NM_001407047.1); c.1093G>A, p.Glu365Lys (NM_001407050.1); and 4 more; short protein forms E169K, E189K, E206K, E27K, E333K, E350K, E365K, E382K.
Identifiers: ClinVar variation 4536388 (VCV004536388.1).

ClinVar aggregate classification (germline): Uncertain significance (1 of 4 stars; one submission).

Submission:

GeneDx
Classification: Uncertain significance. Last evaluated: 2025-06-06. Review status: criteria provided, single submitter. Criteria: GeneDx Variant Classification Process June 2021. Collection method: clinical testing. Allele origin: germline. Affected: yes.
Comment: Not observed at significant frequency in large population cohorts (gnomAD); In silico analysis supports that this missense variant has a deleterious effect on protein structure/function; Has not been previously published as pathogenic or benign to our knowledge; This variant is associated with the following publications: (PMID: 17361230)